The following is an entry in ClinVar:

NM_019066.5(MAGEL2):c.3189C>T (p.Asn1063=)

Gene: MAGEL2 (MAGE family member L2; minus strand). Cytogenetic location: 15q11.2.
Variant type: single nucleotide variant.
Coding change: c.3189C>T on transcript NM_019066.5 (MANE Select); coding-DNA position 3189, C replaced by T.
Protein change: p.Asn1063=; no amino-acid change (asparagine 1063 retained).
Molecular consequence: synonymous variant.
Genome position (GRCh38, 1-based): chr15:23,644,554, G>A on the plus strand (C>T on the coding strand, the complement: MAGEL2 is on the minus strand). VCF-style: chr15-23644554-G-A. GRCh37 (hg19) VCF-style: chr15-23889701-G-A.
Identifiers: ClinVar variation 2903887 (VCV002903887.3), dbSNP rs773587128, ClinGen allele CA7429727.

ClinVar aggregate classification (germline): Uncertain significance (1 of 4 stars; one submission).

Allele frequency attached by ClinVar (database versions not stated): gnomAD 0.00001; gnomAD exomes 0.00001; TOPMed 0.00002; ExAC 0.00002.

Submission:

Labcorp Genetics (formerly Invitae), Labcorp
Classification: Uncertain significance. Last evaluated: 2025-02-27. Review status: criteria provided, single submitter. Criteria: Invitae Variant Classification Sherloc (09022015). Collection method: clinical testing. Allele origin: germline.
Comment: This sequence change affects codon 1063 of the MAGEL2 mRNA. It is a 'silent' change, meaning that it does not change the encoded amino acid sequence of the MAGEL2 protein. This variant is present in population databases (rs773587128, gnomAD 0.006%). This variant has not been reported in the literature in individuals affected with MAGEL2-related conditions. ClinVar contains an entry for this variant (Variation ID: 2903887). In summary, the available evidence is currently insufficient to determine the role of this variant in disease. Therefore, it has been classified as a Variant of Uncertain Significance.